The following is an entry in ClinVar:

ClinVar aggregate classification (germline): Pathogenic (1 of 4 stars; one submission).

Allele frequency attached by ClinVar (database versions not stated): gnomAD exomes below 0.00001 and 0.00001; ExAC 0.00001.
gnomAD v4.1: 2 of 1,614,156 alleles (0.00012%); highest among the groups gnomAD compares: Admixed American, 0.0033%; no homozygotes.

Submission:

Labcorp Genetics (formerly Invitae), Labcorp
Classification: Pathogenic. Last evaluated: 2024-10-11. Review status: criteria provided, single submitter. Criteria: Invitae Variant Classification Sherloc (09022015). Collection method: clinical testing. Allele origin: germline.
Comment: This sequence change replaces proline, which is neutral and non-polar, with serine, which is neutral and polar, at codon 4362 of the USH2A protein (p.Pro4362Ser). This variant is present in population databases (rs763301021, gnomAD 0.006%). This missense change has been observed in individual(s) with USH2A-related conditions (internal data). In at least one individual the data is consistent with being in trans (on the opposite chromosome) from a pathogenic variant. ClinVar contains an entry for this variant (Variation ID: 1016577). Invitae Evidence Modeling of protein sequence and biophysical properties (such as structural, functional, and spatial information, amino acid conservation, physicochemical variation, residue mobility, and thermodynamic stability) indicates that this missense variant is expected to disrupt USH2A protein function with a positive predictive value of 95%. For these reasons, this variant has been classified as Pathogenic.

NM_206933.4(USH2A):c.13084C>T (p.Pro4362Ser)

Gene: USH2A (usherin; minus strand). Cytogenetic location: 1q41.
Variant type: single nucleotide variant.
Coding change: c.13084C>T on transcript NM_206933.4 (MANE Select); coding-DNA position 13084, C replaced by T.
Protein change: p.Pro4362Ser; replaces proline 4362 with serine.
Molecular consequence: missense variant.
Genome position (GRCh38, 1-based): chr1:215,674,827, G>A on the plus strand (C>T on the coding strand, the complement: USH2A is on the minus strand). VCF-style: chr1-215674827-G-A. GRCh37 (hg19) VCF-style: chr1-215848169-G-A.
Other names: short protein forms P4362S.
Identifiers: ClinVar variation 1016577 (VCV001016577.8), dbSNP rs763301021, ClinGen allele CA1393357.